The following is an entry in ClinVar:

NM_000155.4(GALT):c.384_388del (p.Met129fs)

Gene: GALT (galactose-1-phosphate uridylyltransferase; plus strand). Cytogenetic location: 9p13.3.
Variant type: Deletion.
Coding change: c.384_388del on transcript NM_000155.4 (MANE Select); coding-DNA positions 384 to 388, 5 bases deleted (CATGT; older notation c.384_388delCATGT).
Protein change: p.Met129fs; shifts the reading frame from methionine 129.
Molecular consequence: frameshift variant.
Genome position (GRCh38, 1-based): chr9:34,647,838-34,647,842, CATGT deleted; deleting any 5 consecutive bases within chr9:34,647,836-34,647,842 gives the same sequence; the c. name uses the placement nearest the transcript's 3' end. VCF-style (leftmost placement, unchanged base first): chr9-34647835-GGTCAT-G. GRCh37 (hg19) VCF-style: chr9-34647832-GGTCAT-G.
Other names: c.57_61del, p.Met20fs (NM_001258332.2); short protein forms M129fs, M20fs.
Identifiers: ClinVar variation 1454503 (VCV001454503.6), dbSNP rs2132343017, ClinGen allele CA2573144586.

ClinVar aggregate classification (germline): Pathogenic (1 of 4 stars; one submission).

Conditions:
Deficiency of UDPglucose-hexose-1-phosphate uridylyltransferase. Also called: GALACTOSEMIA I; GALACTOSE-1-PHOSPHATE URIDYLYLTRANSFERASE DEFICIENCY; Transferase Deficiency Galactosemia; GALT deficiency; Galactosemia, classic. Identifiers: Orphanet 352, Orphanet 79239, MedGen C0268151, MONDO:0009258, OMIM 230400.

Submission:

Labcorp Genetics (formerly Invitae), Labcorp
Classification: Pathogenic for Deficiency of UDPglucose-hexose-1-phosphate uridylyltransferase. Last evaluated: 2021-02-09. Review status: criteria provided, single submitter. Criteria: Invitae Variant Classification Sherloc (09022015). Collection method: clinical testing. Allele origin: germline.
Comment: This sequence change creates a premature translational stop signal (p.Met129Leufs*16) in the GALT gene. It is expected to result in an absent or disrupted protein product. Loss-of-function variants in GALT are known to be pathogenic (PMID: 22944367). For these reasons, this variant has been classified as Pathogenic. This variant has not been reported in the literature in individuals with GALT-related conditions. This variant is not present in population databases (ExAC no frequency).

Literature cited by the submitters: PubMed 22944367.